The following is an entry in ClinVar:

ClinVar aggregate classification (germline): Benign. Review status: criteria provided, multiple submitters, no conflicts (2 of 4 stars). 3 submissions from 3 submitters: Benign (3). Last evaluated 2026-08-24.

Conditions:
SLC4A4-related disorder. Also called: SLC4A4-related condition.
Autosomal recessive proximal renal tubular acidosis (PRTAO). Also called: RENAL TUBULAR ACIDOSIS, PROXIMAL, WITH OCULAR ABNORMALITIES AND MENTAL RETARDATION; PROXIMAL RENAL TUBULAR ACIDOSIS-OCULAR ANOMALY SYNDROME; RTA, PROXIMAL, AUTOSOMAL RECESSIVE; RENAL TUBULAR ACIDOSIS, PROXIMAL, WITH OCULAR ABNORMALITIES AND IMPAIRED INTELLECTUAL DEVELOPMENT. Identifiers: Orphanet 93607, MedGen C1970309, MONDO:0011422, OMIM 604278.

Allele frequency attached by ClinVar (database versions not stated): gnomAD 0.00004 and 0.00143; ESP Exome Variant Server 0.00008; TOPMed 0.00031; gnomAD exomes 0.00253 and 0.00517; ExAC 0.00586; 1000 Genomes Project 30x 0.01031; 1000 Genomes Project 0.01038.
gnomAD v4.1: 3,932 of 1,609,274 alleles (0.24%); highest among the groups gnomAD compares: South Asian, 4%; 120 homozygotes.

Submissions (3):

PreventionGenetics, part of Exact Sciences
Classification: Benign for SLC4A4-related condition. Last evaluated: 2026-08-24. Review status: criteria provided, single submitter. Criteria: ACMG Guidelines, 2015. Collection method: clinical testing. Allele origin: germline.
Comment: This variant is classified as benign based on ACMG/AMP sequence variant interpretation guidelines (Richards et al. 2015 PMID: 25741868, with internal and published modifications).

Labcorp Genetics (formerly Invitae), Labcorp
Classification: Benign. Last evaluated: 2026-01-26. Review status: criteria provided, single submitter. Criteria: Invitae Variant Classification Sherloc (09022015). Collection method: clinical testing. Allele origin: germline.

Illumina Laboratory Services, Illumina
Classification: Benign for Autosomal recessive proximal renal tubular acidosis. Last evaluated: 2018-01-13. Review status: criteria provided, single submitter. Criteria: ICSL Variant Classification Criteria 13 December 2019. Collection method: clinical testing. Allele origin: germline.
Comment: This variant was observed in the ICSL laboratory as part of a predisposition screen in an ostensibly healthy population. It had not been previously curated by ICSL or reported in the Human Gene Mutation Database (HGMD: prior to June 1st, 2018), and was therefore a candidate for classification through an automated scoring system. Utilizing variant allele frequency, disease prevalence and penetrance estimates, and inheritance mode, an automated score was calculated to assess if this variant is too frequent to cause the disease. Based on the score and internal cut-off values, a variant classified as benign is not then subjected to further curation. The score for this variant resulted in a classification of benign for this disease.

NM_001098484.3(SLC4A4):c.2941T>C (p.Leu981=)

Gene: SLC4A4 (solute carrier family 4 member 4; plus strand). Cytogenetic location: 4q13.3.
Variant type: single nucleotide variant.
Coding change: c.2941T>C on transcript NM_001098484.3 (MANE Select); coding-DNA position 2941, T replaced by C.
Protein change: p.Leu981=; no amino-acid change (leucine 981 retained).
Molecular consequence: synonymous variant.
Genome position (GRCh38, 1-based): chr4:71,560,096, T>C. VCF-style: chr4-71560096-T-C. GRCh37 (hg19) VCF-style: chr4-72425813-T-C.
Other names: c.2941T>C, p.Leu981= (NM_001134742.2); c.2809T>C, p.Leu937= (NM_003759.4).
Identifiers: ClinVar variation 349556 (VCV000349556.15), dbSNP rs147261946, ClinGen allele CA2955256.